The following is an entry in ClinVar:

NM_020919.4(ALS2):c.4303G>A (p.Glu1435Lys)

Gene: ALS2 (alsin Rho guanine nucleotide exchange factor ALS2; minus strand). Cytogenetic location: 2q33.1.
Variant type: single nucleotide variant.
Coding change: c.4303G>A on transcript NM_020919.4 (MANE Select); coding-DNA position 4303, G replaced by A.
Protein change: p.Glu1435Lys; replaces glutamic acid 1435 with lysine.
Molecular consequence: missense variant.
Genome position (GRCh38, 1-based): chr2:201,707,969, C>T on the plus strand (G>A on the coding strand, the complement: ALS2 is on the minus strand). VCF-style: chr2-201707969-C-T. GRCh37 (hg19) VCF-style: chr2-202572692-C-T.
Other names: short protein forms E1435K.
Identifiers: ClinVar variation 1308213 (VCV001308213.2), dbSNP rs2105969377, ClinGen allele CA350322744.

ClinVar aggregate classification (germline): Uncertain significance (1 of 4 stars; one submission).

Submission:

GeneDx
Classification: Uncertain significance. Last evaluated: 2019-03-21. Review status: criteria provided, single submitter. Criteria: GeneDx Variant Classification Process June 2021. Collection method: clinical testing. Allele origin: germline. Affected: yes.
Comment: Not observed in large population cohorts (Lek et al., 2016); In silico analysis, which includes protein predictors and evolutionary conservation, supports that this variant does not alter protein structure/function; Has not been previously published as pathogenic or benign to our knowledge